The following is an entry in ClinVar:

ClinVar aggregate classification (germline): Uncertain significance. Review status: criteria provided, multiple submitters, no conflicts (2 of 4 stars). 2 submissions from 2 submitters: Uncertain significance (2). Last evaluated 2024-05-10.

Conditions:
Emery-Dreifuss muscular dystrophy 5, autosomal dominant (EDMD5). Also called: EMERY-DREIFUSS MUSCULAR DYSTROPHY 5. Identifiers: Orphanet 261, MedGen C2751805, MONDO:0013072, OMIM 612999.

Allele frequency attached by ClinVar (database versions not stated): gnomAD exomes below 0.00001 and 0.00007; TOPMed 0.00001.
gnomAD v4.1: 107 of 1,614,102 alleles (0.0066%); highest among the groups gnomAD compares: Non-Finnish European, 0.0087%; no homozygotes.

Submissions (2):

Revvity Omics, Revvity
Classification: Uncertain significance for Emery-Dreifuss muscular dystrophy 5, autosomal dominant. Last evaluated: 2024-05-10. Review status: criteria provided, single submitter. Criteria: ACMG Guidelines, 2015. Collection method: clinical testing. Allele origin: germline.

Labcorp Genetics (formerly Invitae), Labcorp
Classification: Uncertain significance for Emery-Dreifuss muscular dystrophy 5, autosomal dominant. Last evaluated: 2023-12-19. Review status: criteria provided, single submitter. Criteria: Invitae Variant Classification Sherloc (09022015). Collection method: clinical testing. Allele origin: germline.
Comment: This sequence change replaces serine, which is neutral and polar, with alanine, which is neutral and non-polar, at codon 5450 of the SYNE2 protein (p.Ser5450Ala). This variant is present in population databases (no rsID available, gnomAD 0.0009%). This variant has not been reported in the literature in individuals affected with SYNE2-related conditions. ClinVar contains an entry for this variant (Variation ID: 969051). Algorithms developed to predict the effect of missense changes on protein structure and function output the following: SIFT: "Not Available"; PolyPhen-2: "Benign"; Align-GVGD: "Not Available". The alanine amino acid residue is found in multiple mammalian species, which suggests that this missense change does not adversely affect protein function. In summary, the available evidence is currently insufficient to determine the role of this variant in disease. Therefore, it has been classified as a Variant of Uncertain Significance.

NM_182914.3(SYNE2):c.16348T>G (p.Ser5450Ala)

Gene: SYNE2 (spectrin repeat containing nuclear envelope protein 2; plus strand). Cytogenetic location: 14q23.2.
Variant type: single nucleotide variant.
Coding change: c.16348T>G on transcript NM_182914.3 (MANE Select); coding-DNA position 16348, T replaced by G.
Protein change: p.Ser5450Ala; replaces serine 5450 with alanine.
Molecular consequence: missense variant.
Genome position (GRCh38, 1-based): chr14:64,163,450, T>G. VCF-style: chr14-64163450-T-G. GRCh37 (hg19) VCF-style: chr14-64630168-T-G.
Other names: c.16348T>G, p.Ser5450Ala (NM_015180.6); short protein forms S5450A.
Identifiers: ClinVar variation 969051 (VCV000969051.9), dbSNP rs916780390, ClinGen allele CA261827697.